The following is an entry in ClinVar:

ClinVar aggregate classification (germline): Benign. Review status: criteria provided, multiple submitters, no conflicts (2 of 4 stars). 2 submissions from 2 submitters: Benign (2). Last evaluated 2018-06-20.

Allele frequency attached by ClinVar (database versions not stated): gnomAD exomes 0.34597; gnomAD 0.46772 and 0.47230; TOPMed 0.48634; 1000 Genomes Project 0.54613; 1000 Genomes Project 30x 0.55340.
gnomAD v4.1: 254,420 of 682,418 alleles (37%); highest among the groups gnomAD compares: African/African-American, 81%; 55,995 homozygotes.

Submissions (2):

GeneDx
Classification: Benign. Last evaluated: 2018-06-20. Review status: criteria provided, single submitter. Criteria: GeneDx Variant Classification (06012015). Collection method: clinical testing. Allele origin: germline. Affected: yes.
Comment: This variant is considered likely benign or benign based on one or more of the following criteria: it is a conservative change, it occurs at a poorly conserved position in the protein, it is predicted to be benign by multiple in silico algorithms, and/or has population frequency not consistent with disease.

Breakthrough Genomics
Classification: Benign. Review status: criteria provided, single submitter. Criteria: ACMG Guidelines, 2015. Collection method: not provided. Allele origin: germline. Inheritance: Autosomal dominant inheritance. Affected: yes.

NM_001042492.3(NF1):c.3197+139T>C

Gene: NF1 (neurofibromin 1; plus strand). Cytogenetic location: 17q11.2.
Variant type: single nucleotide variant.
Coding change: c.3197+139T>C on transcript NM_001042492.3 (MANE Select); 139 bases into the intron after coding-DNA position 3197, T replaced by C.
Molecular consequence: intron variant.
Genome position (GRCh38, 1-based): chr17:31,231,064, T>C. VCF-style: chr17-31231064-T-C. GRCh37 (hg19) VCF-style: chr17-29558082-T-C.
Other names: c.3197+139T>C (NM_000267.4).
Identifiers: ClinVar variation 561469 (VCV000561469.2), dbSNP rs2071009, ClinGen allele CA289337162.
Genomic context (GRCh38, chr17:31,231,064, plus strand): 5'-TATTTTGTGTGTATTTAAACTTTTGAGATGTCAAACTTTTGTGTTTGAAATATGTAAAGA[T>C]GCTAATCTTTATTACTGCTTTTTTTTGACTGATAGACTTTCAGTAAAATTAAATGTGAAA-3'